The following is an entry in ClinVar:

NM_000059.4(BRCA2):c.5405A>G (p.Gln1802Arg)

Gene: BRCA2 (BRCA2 DNA repair associated; plus strand). Cytogenetic location: 13q13.1.
Variant type: single nucleotide variant.
Coding change: c.5405A>G on transcript NM_000059.4 (MANE Select); coding-DNA position 5405, A replaced by G.
Protein change: p.Gln1802Arg; replaces glutamine 1802 with arginine.
Molecular consequence: missense variant.
Genome position (GRCh38, 1-based): chr13:32,339,760, A>G. VCF-style: chr13-32339760-A-G. GRCh37 (hg19) VCF-style: chr13-32913897-A-G.
Other names: short protein forms Q1802R.
Identifiers: ClinVar variation 51857 (VCV000051857.25), dbSNP rs80358764, ClinGen allele CA022254.
Genomic context (GRCh38, chr13:32,339,760, plus strand): 5'-AAAAAAACACTAGTTTTTCCAAAGTAATATCCAATGTAAAAGATGCAAATGCATACCCAC[A>G]AACTGTAAATGAAGATATTTGCGTTGAGGAACTTGTGACTAGCTCTTCACCCTGCAAAAA-3'
Protein context (NP_000050.3, residues 1792-1812): SNVKDANAYP[Gln1802Arg]TVNEDICVEE

ClinVar aggregate classification (germline): Conflicting classifications of pathogenicity. Review status: criteria provided, conflicting classifications (1 of 4 stars). 9 submissions from 9 submitters: Uncertain significance (6); Likely benign (1). 2 of the submissions do not count toward it. Last evaluated 2026-01-06.

Conditions:
Hereditary breast ovarian cancer syndrome. Also called: Hereditary breast and ovarian cancer syndrome; Hereditary breast and ovarian cancer; Hereditary breast and ovarian cancer syndrome (HBOC); Breast and ovarian cancer; Hereditary breast and/or ovarian cancer syndrome; BRCA1- and BRCA2-Associated Hereditary Breast and Ovarian Cancer. Identifiers: Orphanet 145, MedGen C0677776, MeSH D061325, MONDO:0003582. Disease mechanism: loss of function.
Hereditary cancer-predisposing syndrome. Also called: Neoplastic Syndromes, Hereditary; Tumor predisposition; Hereditary neoplastic syndrome; Hereditary Cancer Syndrome. Identifiers: Orphanet 140162, MedGen C0027672, MeSH D009386, MONDO:0015356.
Breast-ovarian cancer, familial, susceptibility to, 2 (BROVCA2). Also called: BRCA2 Hereditary Breast and Ovarian Cancer. Identifiers: Orphanet 145, MedGen C2675520, MONDO:0012933, OMIM 612555. Disease mechanism: loss of function.

Allele frequency attached by ClinVar (database versions not stated): gnomAD exomes 0.00001.
gnomAD v4.1: 8 of 1,613,988 alleles (0.0005%); highest among the groups gnomAD compares: Non-Finnish European, 0.00059%; no homozygotes.

Submissions (9):

Labcorp Genetics (formerly Invitae), Labcorp
Classification: Uncertain significance for Hereditary breast ovarian cancer syndrome. Last evaluated: 2026-01-06. Review status: criteria provided, single submitter. Criteria: Invitae Variant Classification Sherloc (09022015). Collection method: clinical testing. Allele origin: germline.
Comment: This sequence change replaces glutamine, which is neutral and polar, with arginine, which is basic and polar, at codon 1802 of the BRCA2 protein (p.Gln1802Arg). This variant is not present in population databases (gnomAD no frequency). This variant has not been reported in the literature in individuals affected with BRCA2-related conditions. ClinVar contains an entry for this variant (Variation ID: 51857). Invitae Evidence Modeling of protein sequence and biophysical properties (such as structural, functional, and spatial information, amino acid conservation, physicochemical variation, residue mobility, and thermodynamic stability) indicates that this missense variant is not expected to disrupt BRCA2 protein function with a negative predictive value of 95%. In summary, the available evidence is currently insufficient to determine the role of this variant in disease. Therefore, it has been classified as a Variant of Uncertain Significance.

Ambry Genetics
Classification: Uncertain significance for Hereditary cancer-predisposing syndrome. Last evaluated: 2024-03-29. Review status: criteria provided, single submitter. Criteria: Ambry Variant Classification Scheme 2023. Collection method: clinical testing. Allele origin: germline.
Comment: The p.Q1802R variant (also known as c.5405A>G), located in coding exon 10 of the BRCA2 gene, results from an A to G substitution at nucleotide position 5405. The glutamine at codon 1802 is replaced by arginine, an amino acid with highly similar properties. This amino acid position is well conserved in available vertebrate species. In addition, this alteration is predicted to be tolerated by in silico analysis. Since supporting evidence is limited at this time, the clinical significance of this alteration remains unclear.

All of Us Research Program, National Institutes of Health
Classification: Uncertain significance for Breast-ovarian cancer, familial, susceptibility to, 2. Last evaluated: 2023-12-18. Review status: criteria provided, single submitter. Criteria: ACMG Guidelines, 2015. Collection method: clinical testing. Allele origin: germline. Inheritance: Autosomal dominant inheritance. Observed: 2 variant alleles, 2 heterozygotes.
Comment: This missense variant replaces glutamine with arginine at codon 1802 of the BRCA2 protein. Computational prediction suggests that this variant may not impact protein structure and function (internally defined REVEL score threshold <= 0.5, PMID: 27666373). To our knowledge, functional studies have not been reported for this variant. This variant has been reported in a multifactorial analysis with co-occurrence and family history likelihood ratios for pathogenicity of 1.0498 and 1.560, respectively (PMID: 31131967). This variant has not been identified in the general population by the Genome Aggregation Database (gnomAD). The available evidence is insufficient to determine the role of this variant in disease conclusively. Therefore, this variant is classified as a Variant of Uncertain Significance.

This study involves interpretation of variants in research participants for the purpose of population health screening. Participant phenotype was not available at the time of variant classification. Additional details can be found in publication PMID: 35346344, PMCID: PMC8962531

GeneDx
Classification: Uncertain significance. Last evaluated: 2023-10-20. Review status: criteria provided, single submitter. Criteria: GeneDx Variant Classification Process June 2021. Collection method: clinical testing. Allele origin: germline. Affected: yes.
Comment: Observed in individuals undergoing multi-gene panel testing; however, no information on clinical history was provided (Li et al., 2020); In silico analysis supports that this missense variant has a deleterious effect on protein structure/function; Not observed at significant frequency in large population cohorts (gnomAD); Also known as 5633A>G; This variant is associated with the following publications: (PMID: 29884841, 32377563, 31131967, 31853058)

Color Diagnostics, LLC DBA Color Health
Classification: Uncertain significance for Hereditary cancer-predisposing syndrome. Last evaluated: 2023-10-05. Review status: criteria provided, single submitter. Criteria: ACMG Guidelines, 2015. Collection method: clinical testing. Allele origin: germline.
Comment: This missense variant replaces glutamine with arginine at codon 1802 of the BRCA2 protein. Computational prediction suggests that this variant may not impact protein structure and function (internally defined REVEL score threshold <= 0.5, PMID: 27666373). To our knowledge, functional studies have not been reported for this variant. This variant has been reported in a multifactorial analysis with co-occurrence and family history likelihood ratios for pathogenicity of 1.0498 and 1.560, respectively (PMID: 31131967). This variant has not been identified in the general population by the Genome Aggregation Database (gnomAD). The available evidence is insufficient to determine the role of this variant in disease conclusively. Therefore, this variant is classified as a Variant of Uncertain Significance.

University of Washington Department of Laboratory Medicine, University of Washington
Classification: Likely benign for Hereditary cancer-predisposing syndrome. Last evaluated: 2023-03-23. Review status: criteria provided, single submitter. Criteria: Dines et al. (Genet Med. 2020). Collection method: curation. Allele origin: germline.
Comment: Missense variant in a coldspot region where missense variants are very unlikely to be pathogenic (PMID:31911673).

BRCA2 exon 11 coldspot. Reclassification based on statistical prior probability.

Sema4
Classification: Uncertain significance for Hereditary cancer-predisposing syndrome. Last evaluated: 2022-01-06. Review status: criteria provided, single submitter. Criteria: Sema4 Curation Guidelines. Collection method: curation. Allele origin: germline.
Comment: The BRCA2 c.5405A>G (p.Q1802R) variant has not been reported in the literature to our knowledge. It was not observed in the large and broad cohorts of the Genome Aggregation Database (PMID: 32461654), but has been reported in ClinVar (Variation ID 51857). Functional studies have not been performed, and in silico predictions of the variant's effect on protein function are inconclusive. The evidence is insufficient to meet ACMG/AMP criteria for classifying the variant as benign or pathogenic. Thus, the clinical significance of this variant is currently uncertain.

Sharing Clinical Reports Project (SCRP)
Classification: Uncertain significance for Breast-ovarian cancer, familial 2. Last evaluated: 2012-05-01. Review status: no assertion criteria provided. Collection method: clinical testing. Allele origin: germline. Not counted in ClinVar's aggregate classification.

Breast Cancer Information Core (BIC) (BRCA2)
Classification: Uncertain significance for Breast-ovarian cancer, familial 2. Last evaluated: 2003-12-23. Review status: no assertion criteria provided. Collection method: clinical testing. Allele origin: germline. Affected: yes. Observed: 2 variant alleles. Not counted in ClinVar's aggregate classification.

Literature cited by the submitters: PubMed 31131967 (cited by All of Us Research Program, National Institutes of Health and Color Diagnostics, LLC DBA Color Health).